The following is an entry in ClinVar:

ClinVar aggregate classification (germline): Pathogenic (1 of 4 stars; one submission).

Conditions:
Mucopolysaccharidosis, MPS-II (MPS2). Also called: Hunter Syndrome; IDURONATE 2-SULFATASE DEFICIENCY; Mucopolysaccharidosis Type II; Mucopolysaccharidosis type 2; Attenuated MPS (subtype; formerly known as mild MPS II); Severe MPS II. Identifiers: Orphanet 580, Orphanet 79388, MedGen C0026705, MONDO:0010674, OMIM 309900.

Submission:

Laboratory of Diagnosis and Therapy of Lysosomal Disorders, University of Padova
Classification: Pathogenic for Mucopolysaccharidosis, MPS-II. Last evaluated: 2024-06-07. Review status: criteria provided, single submitter. Criteria: ACMG Guidelines, 2015. Collection method: literature only. Allele origin: germline. Affected: yes. Observed: 2 variant alleles.
Comment: Null variant (PVS1_Strong), Absent from controls (or at low frequency) in gnomAD database (PM2_Moderate), Cosegregation with disease in multiple affected family members (PP1_Moderate), Patient’s phenotype or family history highly specific for the disease (PP4_Moderate)

Classification method: ACMG Guidelines [PMID:25741868] with modifications

Literature cited by the submitters: PubMed 27883178.

NM_000202.8(IDS):c.1353_1354insATCG (p.Tyr452fs)

Gene: IDS (iduronate 2-sulfatase; minus strand). Cytogenetic location: Xq28.
Variant type: Insertion.
Coding change: c.1353_1354insATCG on transcript NM_000202.8 (MANE Select); coding-DNA positions 1353 to 1354, ATCG inserted.
Protein change: p.Tyr452fs; shifts the reading frame from tyrosine 452.
Molecular consequence: frameshift variant.
Genome position: GRCh38 VCF-style: chrX-149483045-A-ACGAT. GRCh37 (hg19) VCF-style: chrX-148564576-A-ACGAT.
Other names: c.1083_1084insATCG, p.Tyr362fs (NM_001166550.4); short protein forms Y362fs, Y452fs.
Identifiers: ClinVar variation 3256033 (VCV003256033.2).
Genomic context (GRCh38, chrX:149,483,045, plus strand): 5'-TGTCTGAAGGCCGGGGATACTGGCTATAGGCAATCAGTTCACGGGGATTACCAGGGAGGT[A>ACGAT]CGGATCCTCTTCCAAGTCACGGAATCGAAAATGCTTCAGAAGGTTCTTGCCTTCTCTGCA-3'